The following is an entry in ClinVar:

NM_018297.4(NGLY1):c.773G>A (p.Arg258Lys)

Gene: NGLY1 (N-glycanase 1; minus strand). Cytogenetic location: 3p24.2.
Variant type: single nucleotide variant.
Coding change: c.773G>A on transcript NM_018297.4 (MANE Select); coding-DNA position 773, G replaced by A.
Protein change: p.Arg258Lys; replaces arginine 258 with lysine.
Molecular consequence: missense variant.
Genome position (GRCh38, 1-based): chr3:25,739,685, C>T on the plus strand (G>A on the coding strand, the complement: NGLY1 is on the minus strand). VCF-style: chr3-25739685-C-T. GRCh37 (hg19) VCF-style: chr3-25781176-C-T.
Other names: c.773G>A (NM_018297.3); c.773G>A, p.Arg258Lys (NM_001145293.2, NM_001145295.2); c.647G>A, p.Arg216Lys (NM_001145294.2); short protein forms R216K, R258K.
Identifiers: ClinVar variation 1060832 (VCV001060832.6), dbSNP rs1252562045, ClinGen allele CA351903658.

ClinVar aggregate classification (germline): Conflicting classifications of pathogenicity. Review status: criteria provided, conflicting classifications (1 of 4 stars). 2 submissions from 2 submitters: Uncertain significance (1); Likely benign (1). Last evaluated 2025-03-07.

Conditions:
Congenital disorder of deglycosylation (CDDG). Identifiers: MedGen C3808991, MONDO:0031376.
Inborn genetic diseases. Identifiers: MedGen C0950123, MeSH D030342.

Allele frequency attached by ClinVar (database versions not stated): gnomAD exomes below 0.00001; gnomAD 0.00001.

Submissions (2):

Ambry Genetics
Classification: Likely benign for Inborn genetic diseases. Last evaluated: 2025-03-07. Review status: criteria provided, single submitter. Criteria: Ambry Variant Classification Scheme 2023. Collection method: clinical testing. Allele origin: germline.

Labcorp Genetics (formerly Invitae), Labcorp
Classification: Uncertain significance for Congenital disorder of deglycosylation. Last evaluated: 2020-10-28. Review status: criteria provided, single submitter. Criteria: Invitae Variant Classification Sherloc (09022015). Collection method: clinical testing. Allele origin: germline.
Comment: In summary, the available evidence is currently insufficient to determine the role of this variant in disease. Therefore, it has been classified as a Variant of Uncertain Significance. Algorithms developed to predict the effect of missense changes on protein structure and function output the following: SIFT: "Tolerated"; PolyPhen-2: "Benign"; Align-GVGD: "Class C0". The lysine amino acid residue is found in multiple mammalian species, suggesting that this missense change does not adversely affect protein function. These predictions have not been confirmed by published functional studies and their clinical significance is uncertain. This variant has not been reported in the literature in individuals with NGLY1-related conditions. This variant is not present in population databases (ExAC no frequency). This sequence change replaces arginine with lysine at codon 258 of the NGLY1 protein (p.Arg258Lys). The arginine residue is weakly conserved and there is a small physicochemical difference between arginine and lysine.